The following is an entry in ClinVar:

ClinVar aggregate classification (germline): Uncertain significance. Review status: criteria provided, multiple submitters, no conflicts (2 of 4 stars). 3 submissions from 3 submitters: Uncertain significance (3). Last evaluated 2023-07-11.

Conditions:
Inborn genetic diseases. Identifiers: MedGen C0950123, MeSH D030342.
Charcot-Marie-Tooth disease type 4. Also called: Charcot-Marie-Tooth disease, type IV; Charcot-Marie-Tooth, Type 4. Identifiers: Orphanet 64749, MedGen C4082197, MONDO:0018995.

Allele frequency attached by ClinVar (database versions not stated): gnomAD exomes 0.00001 and below 0.00001; ExAC 0.00001.
gnomAD v4.1: 6 of 1,613,590 alleles (0.00037%); highest among the groups gnomAD compares: Non-Finnish European, 0.00051%; no homozygotes.

Submissions (3):

Athena Diagnostics
Classification: Uncertain significance. Last evaluated: 2023-07-11. Review status: criteria provided, single submitter. Criteria: Athena Diagnostics Criteria. Collection method: clinical testing. Allele origin: unknown.
Comment: Available data are insufficient to determine the clinical significance of the variant at this time. The frequency of this variant in the general population is uninformative in assessment of its pathogenicity. Computational tools predict that this variant is not damaging.

Ambry Genetics
Classification: Uncertain significance for Inborn genetic diseases. Last evaluated: 2021-09-21. Review status: criteria provided, single submitter. Criteria: Ambry Variant Classification Scheme 2023. Collection method: clinical testing. Allele origin: germline.
Comment: The p.P626L variant (also known as c.1877C>T), located in coding exon 16 of the FIG4 gene, results from a C to T substitution at nucleotide position 1877. The proline at codon 626 is replaced by leucine, an amino acid with similar properties. This amino acid position is conserved. In addition, this alteration is predicted to be tolerated by in silico analysis. Since supporting evidence is limited at this time, the clinical significance of this alteration remains unclear.

Labcorp Genetics (formerly Invitae), Labcorp
Classification: Uncertain significance for Charcot-Marie-Tooth disease type 4. Last evaluated: 2018-05-09. Review status: criteria provided, single submitter. Criteria: Invitae Variant Classification Sherloc (09022015). Collection method: clinical testing. Allele origin: germline.
Comment: This variant is present in population databases (rs772937400, ExAC 0.01%). In summary, the available evidence is currently insufficient to determine the role of this variant in disease. Therefore, it has been classified as a Variant of Uncertain Significance. Algorithms developed to predict the effect of missense changes on protein structure and function (SIFT, PolyPhen-2, Align-GVGD) all suggest that this variant is likely to be tolerated, but these predictions have not been confirmed by published functional studies and their clinical significance is uncertain. This variant has not been reported in the literature in individuals with FIG4-related disease. This sequence change replaces proline with leucine at codon 626 of the FIG4 protein (p.Pro626Leu). The proline residue is weakly conserved and there is a moderate physicochemical difference between proline and leucine.

NM_014845.6(FIG4):c.1877C>T (p.Pro626Leu)

Gene: FIG4 (FIG4 phosphoinositide 5-phosphatase; plus strand). Cytogenetic location: 6q21.
Variant type: single nucleotide variant.
Coding change: c.1877C>T on transcript NM_014845.6 (MANE Select); coding-DNA position 1877, C replaced by T.
Protein change: p.Pro626Leu; replaces proline 626 with leucine.
Molecular consequence: missense variant.
Genome position (GRCh38, 1-based): chr6:109,777,048, C>T. VCF-style: chr6-109777048-C-T. GRCh37 (hg19) VCF-style: chr6-110098251-C-T.
Other names: short protein forms P626L.
Identifiers: ClinVar variation 566878 (VCV000566878.11), dbSNP rs772937400, ClinGen allele CA3956196.